The following is an entry in ClinVar:

ClinVar aggregate classification (germline): Uncertain significance (1 of 4 stars; one submission).

Conditions:
MKS1-related disorder. Also called: MKS1-related condition; MKS1-related disorders. Identifiers: MedGen CN239382.

Submission:

PreventionGenetics, part of Exact Sciences
Classification: Uncertain significance for MKS1-related condition. Last evaluated: 2025-09-15. Review status: criteria provided, single submitter. Criteria: ACMG Guidelines, 2015. Collection method: clinical testing. Allele origin: germline.
Comment: The MKS1 c.1560C>G variant is predicted to result in the amino acid substitution p.Ser520Arg. To our knowledge, this variant has not been reported in the literature or in a large population database (gnomAD), indicating this variant is rare. At this time, the clinical significance of this variant is uncertain due to the absence of conclusive functional and genetic evidence.

NM_017777.4(MKS1):c.1560C>G (p.Ser520Arg)

Gene: MKS1 (MKS transition zone complex subunit 1; minus strand). Cytogenetic location: 17q22.
Variant type: single nucleotide variant.
Coding change: c.1560C>G on transcript NM_017777.4 (MANE Select); coding-DNA position 1560, C replaced by G.
Protein change: p.Ser520Arg; replaces serine 520 with arginine.
Molecular consequence: missense variant.
Genome position (GRCh38, 1-based): chr17:58,206,311, G>C on the plus strand (C>G on the coding strand, the complement: MKS1 is on the minus strand). VCF-style: chr17-58206311-G-C. GRCh37 (hg19) VCF-style: chr17-56283672-G-C.
Other names: c.951C>G, p.Ser317Arg (NM_001321268.2); c.1477C>G, p.Pro493Ala (NM_001321269.2); c.1343C>G, p.Ala448Gly (NM_001330397.2); short protein forms S317R, S520R, A448G, P493A.
Identifiers: ClinVar variation 4994626 (VCV004994626.1).